The following is an entry in ClinVar:

ClinVar aggregate classification (germline): Uncertain significance (1 of 4 stars; one submission).

Allele frequency attached by ClinVar (database versions not stated): gnomAD exomes below 0.00001; gnomAD 0.00001.
gnomAD v4.1: 4 of 1,613,852 alleles (0.00025%); highest among the groups gnomAD compares: Middle Eastern, 0.016%; no homozygotes.

Submission:

Labcorp Genetics (formerly Invitae), Labcorp
Classification: Uncertain significance. Last evaluated: 2024-09-23. Review status: criteria provided, single submitter. Criteria: Invitae Variant Classification Sherloc (09022015). Collection method: clinical testing. Allele origin: germline.
Comment: This sequence change replaces aspartic acid, which is acidic and polar, with asparagine, which is neutral and polar, at codon 163 of the NOG protein (p.Asp163Asn). This variant is not present in population databases (gnomAD no frequency). This variant has not been reported in the literature in individuals affected with NOG-related conditions. An algorithm developed to predict the effect of missense changes on protein structure and function (PolyPhen-2) suggests that this variant is likely to be disruptive. In summary, the available evidence is currently insufficient to determine the role of this variant in disease. Therefore, it has been classified as a Variant of Uncertain Significance.

NM_005450.6(NOG):c.487G>A (p.Asp163Asn)

Gene: NOG (noggin; plus strand). Cytogenetic location: 17q22.
Variant type: single nucleotide variant.
Coding change: c.487G>A on transcript NM_005450.6 (MANE Select); coding-DNA position 487, G replaced by A.
Protein change: p.Asp163Asn; replaces aspartic acid 163 with asparagine.
Molecular consequence: missense variant.
Genome position (GRCh38, 1-based): chr17:56,594,710, G>A. VCF-style: chr17-56594710-G-A. GRCh37 (hg19) VCF-style: chr17-54672071-G-A.
Other names: short protein forms D163N.
Identifiers: ClinVar variation 2854500 (VCV002854500.3), dbSNP rs2145567484, ClinGen allele CA399966347.